The following is an entry in ClinVar:

NC_000012.11:g.(?_58140510)_(58145500_?)dup

Genes: CDK4 (cyclin dependent kinase 4; minus strand), TSPAN31 (tetraspanin 31; plus strand). Cytogenetic location: 12q14.1.
Variant type: Duplication.
Identifiers: ClinVar variation 1044516 (VCV001044516.2).

ClinVar aggregate classification (germline): Uncertain significance (1 of 4 stars; one submission).

Conditions:
Familial melanoma. Also called: Hereditary melanoma; Hereditary cutaneous melanoma. Identifiers: Orphanet 618, MedGen C1512419, MONDO:0018961.

Submission:

Labcorp Genetics (formerly Invitae), Labcorp
Classification: Uncertain significance for Familial melanoma. Last evaluated: 2020-01-16. Review status: criteria provided, single submitter. Criteria: Invitae Variant Classification Sherloc (09022015). Collection method: clinical testing. Allele origin: germline.
Comment: This variant results in a copy number gain of the genomic region encompassing the full coding sequence of the CDK4 gene. The boundaries of this event are unknown as they extend beyond the assayed region for this gene and therefore may encompass additional genes. As the precise location of this event is unknown, it may be in tandem or it may be located elsewhere in the genome. This variant has not been reported in the literature in individuals with CDK4-related conditions. In summary, the available evidence is currently insufficient to determine the role of this variant in disease. Therefore, it has been classified as a Variant of Uncertain Significance.